The following is an entry in ClinVar:

NM_021930.6(RINT1):c.818A>C (p.Gln273Pro)

Gene: RINT1 (RAD50 interactor 1; plus strand). Cytogenetic location: 7q22.3.
Variant type: single nucleotide variant.
Coding change: c.818A>C on transcript NM_021930.6 (MANE Select); coding-DNA position 818, A replaced by C.
Protein change: p.Gln273Pro; replaces glutamine 273 with proline.
Molecular consequence: missense variant. On other transcripts: 5 prime UTR variant (2), non-coding transcript variant (1), intron variant (1).
Genome position (GRCh38, 1-based): chr7:105,547,312, A>C. VCF-style: chr7-105547312-A-C. GRCh37 (hg19) VCF-style: chr7-105187759-A-C.
Other names: c.584A>C, p.Gln195Pro (NM_001346599.2); c.-202A>C (NM_001346600.2); c.-105A>C (NM_001346601.2); c.-27-2743A>C (NM_001346603.2); short protein forms Q195P, Q273P.
Identifiers: ClinVar variation 3946000 (VCV003946000.1).

ClinVar aggregate classification (germline): Uncertain significance (1 of 4 stars; one submission).

Submission:

Ambry Genetics
Classification: Uncertain significance. Last evaluated: 2025-05-16. Review status: criteria provided, single submitter. Criteria: Ambry Variant Classification Scheme 2023. Collection method: clinical testing. Allele origin: germline.
Comment: The p.Q273P variant (also known as c.818A>C), located in coding exon 6 of the RINT1 gene, results from an A to C substitution at nucleotide position 818. The glutamine at codon 273 is replaced by proline, an amino acid with similar properties. This amino acid position is conserved. In addition, the in silico prediction for this alteration is inconclusive. Based on the available evidence, the clinical significance of this variant remains unclear.